The following is an entry in ClinVar:

NM_000059.4(BRCA2):c.1705C>T (p.Gln569Ter)

Gene: BRCA2 (BRCA2 DNA repair associated; plus strand). Cytogenetic location: 13q13.1.
Variant type: single nucleotide variant.
Coding change: c.1705C>T on transcript NM_000059.4 (MANE Select); coding-DNA position 1705, C replaced by T.
Protein change: p.Gln569Ter; replaces glutamine 569 with a stop codon.
Molecular consequence: nonsense.
Genome position (GRCh38, 1-based): chr13:32,333,183, C>T. VCF-style: chr13-32333183-C-T. GRCh37 (hg19) VCF-style: chr13-32907320-C-T.
Other names: NP_000050.3:p.Gln569Ter; c.1705C>T (NM_000059.3); short protein forms Q569*.
Identifiers: ClinVar variation 1678927 (VCV001678927.10), dbSNP rs397507274, ClinGen allele CA387765259.
Genomic context (GRCh38, chr13:32,333,183, plus strand): 5'-AAGGAGGACTCCTTATGTCCAAATTTAATTGATAATGGAAGCTGGCCAGCCACCACCACA[C>T]AGAATTCTGTAGCTTTGAAGAATGCAGGTTTAATATCCACTTTGAAAAAGAAAACAAATA-3'

ClinVar aggregate classification (germline): Pathogenic. Review status: criteria provided, multiple submitters, no conflicts (2 of 4 stars). 5 submissions from 5 submitters: Pathogenic (4). 1 of the submissions does not count toward it. Last evaluated 2025-07-31.

Conditions:
Hereditary breast ovarian cancer syndrome. Also called: Hereditary breast and ovarian cancer syndrome (HBOC); Breast and ovarian cancer; Hereditary breast and ovarian cancer syndrome; Hereditary breast and ovarian cancer; Hereditary breast and/or ovarian cancer syndrome; BRCA1- and BRCA2-Associated Hereditary Breast and Ovarian Cancer. Identifiers: Orphanet 145, MedGen C0677776, MeSH D061325, MONDO:0003582. Disease mechanism: loss of function.
Breast-ovarian cancer, familial, susceptibility to, 2 (BROVCA2). Also called: BRCA2 Hereditary Breast and Ovarian Cancer. Identifiers: Orphanet 145, MedGen C2675520, MONDO:0012933, OMIM 612555. Disease mechanism: loss of function.
Breast-ovarian cancer, familial, susceptibility to, 1 (BROVCA1). Also called: BRCA1 Hereditary Breast and Ovarian Cancer; OVARIAN CANCER, SUSCEPTIBILITY TO. Identifiers: Orphanet 145, MedGen C2676676, MONDO:0011450, OMIM 604370. Disease mechanism: loss of function.

Submissions (5):

Institute of Immunology and Genetics Kaiserslautern
Classification: Pathogenic for Breast-ovarian cancer, familial, susceptibility to, 1. Last evaluated: 2025-07-31. Review status: criteria provided, single submitter. Criteria: ACMG Guidelines, 2015. Collection method: clinical testing. Allele origin: germline. Affected: yes.
Comment: ACMG Criteria: PVS1, PM2, PP5.

KCCC/NGS Laboratory, Kuwait Cancer Control Center
Classification: Pathogenic for Breast-ovarian cancer, familial, susceptibility to, 2. Last evaluated: 2025-01-06. Review status: criteria provided, single submitter. Criteria: ACMG Guidelines, 2015. Collection method: clinical testing. Allele origin: germline. Inheritance: Autosomal dominant inheritance. Affected: yes. Observed: 1 heterozygote.
Comment: This sequence change creates a premature translational stop signal (p.Gln569*) in the BRCA2 gene. It is expected to result in an absent or disrupted protein product. Loss-offunction variants in BRCA2 are known to be pathogenic (PMID: 20104584). This variant has not been reported in the literature in individuals affected with BRCA2-related conditions. This variant is not present in population databases (gnomAD no frequency). For these reasons, this variant has been classified as Pathogenic.

Labcorp Genetics (formerly Invitae), Labcorp
Classification: Pathogenic for Hereditary breast ovarian cancer syndrome. Last evaluated: 2022-06-19. Review status: criteria provided, single submitter. Criteria: Invitae Variant Classification Sherloc (09022015). Collection method: clinical testing. Allele origin: germline.
Comment: For these reasons, this variant has been classified as Pathogenic. This variant has not been reported in the literature in individuals affected with BRCA2-related conditions. This variant is not present in population databases (gnomAD no frequency). This sequence change creates a premature translational stop signal (p.Gln569*) in the BRCA2 gene. It is expected to result in an absent or disrupted protein product. Loss-of-function variants in BRCA2 are known to be pathogenic (PMID: 20104584).

National Health Laboratory Service, Universitas Academic Hospital and University of the Free State
Classification: Pathogenic for Hereditary breast ovarian cancer syndrome. Last evaluated: 2022-04-19. Review status: criteria provided, single submitter. Criteria: ACMG Guidelines, 2015. Collection method: clinical testing. Allele origin: germline. Affected: yes. Observed: 1 variant allele.

BRCAlab, Lund University
Classification: Pathogenic for Breast-ovarian cancer, familial, susceptibility to, 2. Last evaluated: 2020-03-02. Review status: no assertion criteria provided. Collection method: clinical testing. Allele origin: germline. Affected: yes. Not counted in ClinVar's aggregate classification.

Literature cited by the submitters: PubMed 20104584 (cited by Labcorp Genetics (formerly Invitae), Labcorp).